The following is an entry in ClinVar:

ClinVar aggregate classification (germline): Pathogenic. Review status: reviewed by expert panel (3 of 4 stars). 8 submissions from 8 submitters: Pathogenic (1). 7 of the submissions do not count toward it. Last evaluated 2017-12-15.

Conditions:
Breast-ovarian cancer, familial, susceptibility to, 2 (BROVCA2). Also called: BRCA2 Hereditary Breast and Ovarian Cancer. Identifiers: Orphanet 145, MedGen C2675520, MONDO:0012933, OMIM 612555. Disease mechanism: loss of function.
Hereditary cancer-predisposing syndrome. Also called: Hereditary Cancer Syndrome; Hereditary neoplastic syndrome; Tumor predisposition; Neoplastic Syndromes, Hereditary. Identifiers: Orphanet 140162, MedGen C0027672, MeSH D009386, MONDO:0015356.

gnomAD v4.1: 1 of 1,613,846 alleles (0.000062%); highest among the groups gnomAD compares: Non-Finnish European, 0.000085%; no homozygotes.

Submissions (8):

Evidence-based Network for the Interpretation of Germline Mutant Alleles (ENIGMA)
Classification: Pathogenic for Breast-ovarian cancer, familial, susceptibility to, 2. Last evaluated: 2017-12-15. Review status: reviewed by expert panel. Criteria: ENIGMA BRCA1/2 Classification Criteria (2017-06-29). Collection method: curation. Allele origin: germline. Study: ENIGMA.
Comment: Variant allele predicted to encode a truncated non-functional protein.

Center for Genomic Medicine, Rigshospitalet, Copenhagen University Hospital
Classification: Pathogenic. Last evaluated: 2025-12-29. Review status: criteria provided, single submitter. Criteria: ACMG Guidelines, 2015. Collection method: clinical testing. Allele origin: germline. Not counted in ClinVar's aggregate classification.

Ambry Genetics
Classification: Pathogenic for Hereditary cancer-predisposing syndrome. Last evaluated: 2025-09-29. Review status: criteria provided, single submitter. Criteria: Ambry Variant Classification Scheme 2023. Collection method: clinical testing. Allele origin: germline. Not counted in ClinVar's aggregate classification.
Comment: The p.Y792* pathogenic mutation (also known as c.2376C>G), located in coding exon 10 of the BRCA2 gene, results from a C to G substitution at nucleotide position 2376. This changes the amino acid from a tyrosine to a stop codon within coding exon 10. This variant is considered to be rare based on population cohorts in the Genome Aggregation Database (gnomAD). This alteration is expected to result in loss of function by premature protein truncation or nonsense-mediated mRNA decay. As such, this alteration is interpreted as a disease-causing mutation.

Department of Clinical Genetics, Copenhagen University Hospital, Rigshospitalet
Classification: Pathogenic for Breast-ovarian cancer, familial, susceptibility to, 2. Last evaluated: 2024-05-27. Review status: criteria provided, single submitter. Criteria: ACMG Guidelines, 2015. Collection method: clinical testing. Allele origin: germline. Affected: yes. Not counted in ClinVar's aggregate classification.
Comment: PVS1; PM2_supporting; PM5_PTC_Strong

Clinical Genetics Laboratory, Skane University Hospital Lund
Classification: Pathogenic. Last evaluated: 2022-05-27. Review status: criteria provided, single submitter. Criteria: ACMG Guidelines, 2015. Collection method: clinical testing. Allele origin: germline. Affected: yes. Not counted in ClinVar's aggregate classification.

Mendelics
Classification: Pathogenic for Breast-ovarian cancer, familial, susceptibility to, 2. Last evaluated: 2019-05-28. Review status: criteria provided, single submitter. Criteria: Mendelics Assertion Criteria 2017. Collection method: clinical testing. Allele origin: unknown. Not counted in ClinVar's aggregate classification.

Clinical Genetics and Genomics, Karolinska University Hospital
Classification: Pathogenic. Last evaluated: 2017-10-11. Review status: criteria provided, single submitter. Criteria: ACMG Guidelines, 2015. Collection method: clinical testing. Allele origin: germline. Affected: yes. Observed: 2 variant alleles. Not counted in ClinVar's aggregate classification.

BRCAlab, Lund University
Classification: Pathogenic for Breast-ovarian cancer, familial, susceptibility to, 2. Last evaluated: 2022-08-26. Review status: no assertion criteria provided. Collection method: clinical testing. Allele origin: germline. Affected: yes. Not counted in ClinVar's aggregate classification.

Literature cited by the submitters: PubMed 30175445 (cited by Center for Genomic Medicine, Rigshospitalet, Copenhagen University Hospital); PubMed 15876480 (cited by Ambry Genetics); PubMed 18286383 (cited by Ambry Genetics).

NM_000059.4(BRCA2):c.2376C>G (p.Tyr792Ter)

Gene: BRCA2 (BRCA2 DNA repair associated; plus strand). Cytogenetic location: 13q13.1.
Variant type: single nucleotide variant.
Coding change: c.2376C>G on transcript NM_000059.4 (MANE Select); coding-DNA position 2376, C replaced by G.
Protein change: p.Tyr792Ter; replaces tyrosine 792 with a stop codon.
Molecular consequence: nonsense.
Genome position (GRCh38, 1-based): chr13:32,336,731, C>G. VCF-style: chr13-32336731-C-G. GRCh37 (hg19) VCF-style: chr13-32910868-C-G.
Other names: short protein forms Y792*.
Identifiers: ClinVar variation 441490 (VCV000441490.39), dbSNP rs80358503, ClinGen allele CA387771812.